The following is an entry in ClinVar:

ClinVar aggregate classification (germline): Likely benign. Review status: reviewed by expert panel (3 of 4 stars). 3 submissions from 3 submitters: Likely benign (1). 2 of the submissions do not count toward it. Last evaluated 2024-06-24.

Conditions:
Inborn genetic diseases. Identifiers: MedGen C0950123, MeSH D030342.
Hereditary thrombocytopenia and hematological cancer predisposition syndrome associated with RUNX1. Also called: PLATELET DISORDER, ASPIRIN-LIKE; Familial Platelet Disorder with Propensity to Acute Myelogenous Leukemia; Familial thrombocytopenia with propensity to acute myelogenous leukemia; RUNX1 Familial Platelet Disorder with Associated Myeloid Malignancies. Identifiers: Orphanet 71290, MedGen C1832388, MeSH C563324, MONDO:0100083, OMIM 601399.
Hereditary thrombocytopenia and hematologic cancer predisposition syndrome. Identifiers: Orphanet 71290, MedGen CN281654, MONDO:0011071.

Allele frequency attached by ClinVar (database versions not stated): gnomAD below 0.00001; ExAC 0.00001; gnomAD exomes 0.00002.
gnomAD v4.1: 23 of 1,606,568 alleles (0.0014%); highest among the groups gnomAD compares: South Asian, 0.024%; no homozygotes.

Submissions (3):

ClinGen Myeloid Malignancy Variant Curation Expert Panel
Classification: Likely benign for Hereditary thrombocytopenia and hematologic cancer predisposition syndrome. Last evaluated: 2024-06-24. Review status: reviewed by expert panel. Criteria: ClinGen MyeloMalig ACMG Specifications v2. Collection method: curation. Allele origin: germline. Inheritance: Autosomal dominant inheritance.
Comment: NM_001754.5(RUNX1):c.204C>G (p.Ala68=) is a synonymous variant which has a MAF of 0.00017 (0.017%, 5/30230, 30235 alleles) in the South Asian subpopulation of the gnomAD v2 cohort is between 0.00015 (0.015%) and 0.0015 (0.15%) (BS1). This is a synonymous variant, therefore REVEL is not calculable. On the basis of SpliceAI, the predicted effects on splicing are: Acceptor loss 0.00, donor loss 0.00, acceptor gain 0.00, donor gain 0.00. Therefore, there is no computationally predicted effect on splicing (BP4). On the basis of SpliceAI, the predicted effects on splicing are: Acceptor loss 0.00, donor loss 0.00, acceptor gain 0.00, donor gain 0.00. Therefore, there is no computationally predicted effect on splicing. Evolutionary conservation prediction algorithms predict the site as not being conserved (PhyloP score 1.84737 < 2.0 or the variant is the reference nucleotide in one primate and/or three mammal species) (BP7). In summary, this variant meets criteria to be classified as likely benign. ACMG/AMP criteria applied, as specified by the Myeloid Malignancy Variant Curation Expert Panel for RUNX1: BS1, BP4, BP7.

Ambry Genetics
Classification: Likely benign for Inborn genetic diseases. Last evaluated: 2025-07-19. Review status: criteria provided, single submitter. Criteria: Ambry Variant Classification Scheme 2023. Collection method: clinical testing. Allele origin: germline. Not counted in ClinVar's aggregate classification.

Labcorp Genetics (formerly Invitae), Labcorp
Classification: Likely benign for Hereditary thrombocytopenia and hematological cancer predisposition syndrome associated with RUNX1. Last evaluated: 2024-03-06. Review status: criteria provided, single submitter. Criteria: Invitae Variant Classification Sherloc (09022015). Collection method: clinical testing. Allele origin: germline. Not counted in ClinVar's aggregate classification.

NM_001754.5(RUNX1):c.204C>G (p.Ala68=)

Gene: RUNX1 (RUNX family transcription factor 1; minus strand). Cytogenetic location: 21q22.12.
Variant type: single nucleotide variant.
Coding change: c.204C>G on transcript NM_001754.5 (MANE Select); coding-DNA position 204, C replaced by G.
Protein change: p.Ala68=; no amino-acid change (alanine 68 retained).
Molecular consequence: synonymous variant.
Genome position (GRCh38, 1-based): chr21:34,886,990, G>C on the plus strand (C>G on the coding strand, the complement: RUNX1 is on the minus strand). VCF-style: chr21-34886990-G-C. GRCh37 (hg19) VCF-style: chr21-36259287-G-C.
Other names: NM_001754.5(RUNX1):c.204C>G; p.Ala68=; c.123C>G, p.Ala41= (NM_001001890.3, NM_001122607.2).
Identifiers: ClinVar variation 762564 (VCV000762564.12), dbSNP rs746342521, ClinGen allele CA10014570.